The following is an entry in ClinVar:

NM_001379210.1(SLC25A26):c.633G>A (p.Lys211=)

Gene: SLC25A26 (solute carrier family 25 member 26; plus strand). Cytogenetic location: 3p14.1.
Variant type: single nucleotide variant.
Coding change: c.633G>A on transcript NM_001379210.1 (MANE Select); coding-DNA position 633, G replaced by A.
Protein change: p.Lys211=; no amino-acid change (lysine 211 retained).
Molecular consequence: synonymous variant. On other transcripts: non-coding transcript variant (15).
Genome position (GRCh38, 1-based): chr3:66,369,542, G>A. VCF-style: chr3-66369542-G-A. GRCh37 (hg19) VCF-style: chr3-66419966-G-A.
Other names: c.369G>A, p.Lys123= (NM_001164796.1, NM_001350993.1, NM_001400709.1 and 1 more transcripts); c.633G>A, p.Lys211= (NM_001400705.1, NM_173471.4); c.588G>A, p.Lys196= (NM_001400707.1); c.324G>A, p.Lys108= (NM_001400714.1).
Identifiers: ClinVar variation 3608091 (VCV003608091.2).
Genomic context (GRCh38, chr3:66,369,542, plus strand): 5'-ATTTGCCGCTGCAGTCACCACCCCTCTAGACGTGGCAAAGACAAGAATTACGCTGGCAAA[G>A]GTAAGTGGTGAAATAATGTAATGGAGATACTTCAGATGCTCATATCTGTTAGCACTAGGA-3'
Protein context (NP_001366139.1, residues 201-221): DVAKTRITLA[Lys211=]AGSSTADGNV

ClinVar aggregate classification (germline): Uncertain significance (1 of 4 stars; one submission).

gnomAD v4.1: 56 of 1,592,762 alleles (0.0035%); highest among the groups gnomAD compares: South Asian, 0.041%; 1 homozygote.

Submission:

Labcorp Genetics (formerly Invitae), Labcorp
Classification: Uncertain significance. Last evaluated: 2025-01-01. Review status: criteria provided, single submitter. Criteria: Invitae Variant Classification Sherloc (09022015). Collection method: clinical testing. Allele origin: germline.
Comment: This sequence change affects codon 123 of the SLC25A26 mRNA. It is a 'silent' change, meaning that it does not change the encoded amino acid sequence of the SLC25A26 protein. This variant also falls at the last nucleotide of exon 7, which is part of the consensus splice site for this exon. This variant is present in population databases (rs562240562, gnomAD 0.05%). This variant has not been reported in the literature in individuals affected with SLC25A26-related conditions. Variants that disrupt the consensus splice site are a relatively common cause of aberrant splicing (PMID: 17576681, 9536098). Algorithms developed to predict the effect of sequence changes on RNA splicing suggest that this variant is not likely to affect RNA splicing. In summary, the available evidence is currently insufficient to determine the role of this variant in disease. Therefore, it has been classified as a Variant of Uncertain Significance.

Literature cited by the submitters: PubMed 17576681; PubMed 9536098.